The following is an entry in ClinVar:

NM_153676.4(USH1C):c.2566G>A (p.Val856Ile)

Gene: USH1C (USH1 protein network component harmonin; minus strand). Cytogenetic location: 11p15.1.
Variant type: single nucleotide variant.
Coding change: c.2566G>A on transcript NM_153676.4 (MANE Select); coding-DNA position 2566, G replaced by A.
Protein change: p.Val856Ile; replaces valine 856 with isoleucine.
Molecular consequence: missense variant. On other transcripts: intron variant (2).
Genome position (GRCh38, 1-based): chr11:17,495,658, C>T on the plus strand (G>A on the coding strand, the complement: USH1C is on the minus strand). VCF-style: chr11-17495658-C-T. GRCh37 (hg19) VCF-style: chr11-17517205-C-T.
Other names: c.1589+1100G>A (NM_001297764.2); c.1646+1100G>A (NM_005709.4); short protein forms V856I.
Identifiers: ClinVar variation 730376 (VCV000730376.10), dbSNP rs201308481, ClinGen allele CA5904090.
Genomic context (GRCh38, chr11:17,495,658, plus strand): 5'-GTCTGTGCACGGCAGCACGGTCTTCAAGGAGCTTTCGGACCGGTTGGGGGCTTTCAGCTA[C>T]GGAGGAGGGAAGAGAAGCTCTATATATACAGAGCAGAGCAAGAAACACAAAACAGGCTTG-3'
Protein context (NP_710142.1, residues 846-866): DDELASLPSS[Val856Ile]AESPQPVRKL

ClinVar aggregate classification (germline): Conflicting classifications of pathogenicity. Review status: criteria provided, conflicting classifications (1 of 4 stars). 3 submissions from 3 submitters: Uncertain significance (1); Likely benign (2). Last evaluated 2024-07-02.

Allele frequency attached by ClinVar (database versions not stated): ESP Exome Variant Server 0.00008; gnomAD 0.00009; gnomAD exomes 0.00010; ExAC 0.00012; TOPMed 0.00012; 1000 Genomes Project 30x 0.00016; 1000 Genomes Project 0.00020.
gnomAD v4.1: 109 of 1,614,100 alleles (0.0068%); highest among the groups gnomAD compares: Admixed American, 0.027%; 1 homozygote.

Submissions (3):

Blueprint Genetics
Classification: Likely benign. Last evaluated: 2024-07-02. Review status: criteria provided, single submitter. Criteria: ACMG Guidelines, 2015. Collection method: clinical testing. Allele origin: germline.

GeneDx
Classification: Uncertain significance. Last evaluated: 2023-03-08. Review status: criteria provided, single submitter. Criteria: GeneDx Variant Classification Process June 2021. Collection method: clinical testing. Allele origin: germline. Affected: yes.
Comment: In silico analysis supports that this missense variant does not alter protein structure/function; Has not been previously published as pathogenic or benign to our knowledge

Labcorp Genetics (formerly Invitae), Labcorp
Classification: Likely benign. Last evaluated: 2019-12-13. Review status: criteria provided, single submitter. Criteria: Invitae Variant Classification Sherloc (09022015). Collection method: clinical testing. Allele origin: germline.